The following is an entry in ClinVar:

ClinVar aggregate classification (germline): Conflicting classifications of pathogenicity. Review status: criteria provided, conflicting classifications (1 of 4 stars). 3 submissions from 3 submitters: Uncertain significance (2); Likely benign (1). Last evaluated 2025-08-17.

Allele frequency attached by ClinVar (database versions not stated): ExAC 0.00002; gnomAD 0.00002 and 0.00003; gnomAD exomes 0.00002; TOPMed 0.00009.
gnomAD v4.1: 88 of 1,180,407 alleles (0.0075%); highest among the groups gnomAD compares: Non-Finnish European, 0.0096%; no homozygotes.

Submissions (3):

Labcorp Genetics (formerly Invitae), Labcorp
Classification: Uncertain significance. Last evaluated: 2025-08-17. Review status: criteria provided, single submitter. Criteria: Invitae Variant Classification Sherloc (09022015). Collection method: clinical testing. Allele origin: germline.
Comment: This sequence change replaces glycine, which is neutral and non-polar, with valine, which is neutral and non-polar, at codon 826 of the CACNA1F protein (p.Gly826Val). The frequency data for this variant in the population databases is considered unreliable, as metrics indicate poor data quality at this position in the gnomAD database. This variant has not been reported in the literature in individuals affected with CACNA1F-related conditions. ClinVar contains an entry for this variant (Variation ID: 381793). Invitae Evidence Modeling of protein sequence and biophysical properties (such as structural, functional, and spatial information, amino acid conservation, physicochemical variation, residue mobility, and thermodynamic stability) indicates that this missense variant is not expected to disrupt CACNA1F protein function with a negative predictive value of 80%. In summary, the available evidence is currently insufficient to determine the role of this variant in disease. Therefore, it has been classified as a Variant of Uncertain Significance.

GeneDx
Classification: Likely benign. Last evaluated: 2020-01-19. Review status: criteria provided, single submitter. Criteria: GeneDx Variant Classification Process June 2021. Collection method: clinical testing. Allele origin: germline. Affected: yes.
Comment: In silico analysis, which includes protein predictors and evolutionary conservation, supports that this variant does not alter protein structure/function

Blueprint Genetics
Classification: Uncertain significance. Last evaluated: 2019-05-23. Review status: criteria provided, single submitter. Criteria: ACMG Guidelines, 2015. Collection method: clinical testing. Allele origin: germline.

NM_001256789.3(CACNA1F):c.2444G>T (p.Gly815Val)

Gene: CACNA1F (calcium voltage-gated channel subunit alpha1 F; minus strand). Cytogenetic location: Xp11.23.
Variant type: single nucleotide variant.
Coding change: c.2444G>T on transcript NM_001256789.3 (MANE Select); coding-DNA position 2444, G replaced by T.
Protein change: p.Gly815Val; replaces glycine 815 with valine.
Molecular consequence: missense variant.
Genome position (GRCh38, 1-based): chrX:49,219,733, C>A on the plus strand (G>T on the coding strand, the complement: CACNA1F is on the minus strand). VCF-style: chrX-49219733-C-A. GRCh37 (hg19) VCF-style: chrX-49076192-C-A.
Other names: c.2282G>T, p.Gly761Val (NM_001256790.3); c.2477G>T, p.Gly826Val (NM_005183.4); short protein forms G826V, G761V, G815V.
Identifiers: ClinVar variation 381793 (VCV000381793.12), dbSNP rs781938466, ClinGen allele CA10410664.